The following is an entry in ClinVar:

ClinVar aggregate classification (germline): Uncertain significance (1 of 4 stars; one submission).

gnomAD v4.1: 56 of 1,195,354 alleles (0.0047%); highest among the groups gnomAD compares: Non-Finnish European, 0.0062%; no homozygotes.

Submission:

GeneDx
Classification: Uncertain significance. Last evaluated: 2023-06-22. Review status: criteria provided, single submitter. Criteria: GeneDx Variant Classification Process June 2021. Collection method: clinical testing. Allele origin: germline. Affected: yes.
Comment: In silico analysis supports that this missense variant has a deleterious effect on protein structure/function; Has not been previously published as pathogenic or benign to our knowledge

NM_014927.5(CNKSR2):c.2777A>T (p.Glu926Val)

Gene: CNKSR2 (connector enhancer of kinase suppressor of Ras 2; plus strand). Cytogenetic location: Xp22.12.
Variant type: single nucleotide variant.
Coding change: c.2777A>T on transcript NM_014927.5 (MANE Select); coding-DNA position 2777, A replaced by T.
Protein change: p.Glu926Val; replaces glutamic acid 926 with valine.
Molecular consequence: missense variant.
Genome position (GRCh38, 1-based): chrX:21,648,915, A>T. VCF-style: chrX-21648915-A-T. GRCh37 (hg19) VCF-style: chrX-21667033-A-T.
Other names: c.2687A>T, p.Glu896Val (NM_001168647.3); c.2630A>T, p.Glu877Val (NM_001330770.2); c.2540A>T, p.Glu847Val (NM_001330772.2); short protein forms E847V, E877V, E896V, E926V.
Identifiers: ClinVar variation 3342874 (VCV003342874.1).